The following is an entry in ClinVar:

ClinVar aggregate classification (germline): Uncertain significance. Review status: criteria provided, multiple submitters, no conflicts (2 of 4 stars). 2 submissions from 2 submitters: Uncertain significance (2). Last evaluated 2025-01-29.

Conditions:
Hereditary cancer-predisposing syndrome. Also called: Hereditary neoplastic syndrome; Neoplastic Syndromes, Hereditary; Tumor predisposition; Hereditary Cancer Syndrome. Identifiers: Orphanet 140162, MedGen C0027672, MeSH D009386, MONDO:0015356.

Allele frequency attached by ClinVar (database versions not stated): gnomAD exomes below 0.00001; TOPMed 0.00001.
gnomAD v4.1: 4 of 1,541,300 alleles (0.00026%); highest among the groups gnomAD compares: East Asian, 0.0067%; no homozygotes.

Submissions (2):

Labcorp Genetics (formerly Invitae), Labcorp
Classification: Uncertain significance. Last evaluated: 2025-01-29. Review status: criteria provided, single submitter. Criteria: Invitae Variant Classification Sherloc (09022015). Collection method: clinical testing. Allele origin: germline.
Comment: This sequence change falls in intron 10 of the MSH3 gene. It does not directly change the encoded amino acid sequence of the MSH3 protein. It affects a nucleotide within the consensus splice site. This variant is not present in population databases (gnomAD no frequency). This variant has not been reported in the literature in individuals affected with MSH3-related conditions. ClinVar contains an entry for this variant (Variation ID: 940541). Variants that disrupt the consensus splice site are a relatively common cause of aberrant splicing (PMID: 17576681, 9536098). Studies have shown that this variant is associated with inconclusive levels of altered splicing (internal data). In summary, the available evidence is currently insufficient to determine the role of this variant in disease. Therefore, it has been classified as a Variant of Uncertain Significance.

Ambry Genetics
Classification: Uncertain significance for Hereditary cancer-predisposing syndrome. Last evaluated: 2024-02-29. Review status: criteria provided, single submitter. Criteria: Ambry Variant Classification Scheme 2023. Collection method: clinical testing. Allele origin: germline.
Comment: The c.1569-3C>T intronic variant results from a C to T substitution 3 nucleotides upstream from coding exon 11 in the MSH3 gene. This nucleotide position is not well conserved in available vertebrate species. In silico splice site analysis predicts that this alteration will not have any significant effect on splicing. Based on the available evidence, the clinical significance of this alteration remains unclear.

Literature cited by the submitters: PubMed 17576681 (cited by Labcorp Genetics (formerly Invitae), Labcorp); PubMed 9536098 (cited by Labcorp Genetics (formerly Invitae), Labcorp).

NM_002439.5(MSH3):c.1569-3C>T

Gene: MSH3 (mutS homolog 3; plus strand). Cytogenetic location: 5q14.1.
Variant type: single nucleotide variant.
Coding change: c.1569-3C>T on transcript NM_002439.5 (MANE Select); 3 bases into the intron before coding-DNA position 1569, C replaced by T.
Molecular consequence: intron variant.
Genome position (GRCh38, 1-based): chr5:80,741,461, C>T. VCF-style: chr5-80741461-C-T. GRCh37 (hg19) VCF-style: chr5-80037280-C-T.
Identifiers: ClinVar variation 940541 (VCV000940541.10), dbSNP rs760765447, ClinGen allele CA814465229.